The following is an entry in ClinVar:

NM_000245.4(MET):c.2584-9T>C

Gene: MET (MET proto-oncogene, receptor tyrosine kinase; plus strand). Cytogenetic location: 7q31.2.
Variant type: single nucleotide variant.
Coding change: c.2584-9T>C on transcript NM_000245.4 (MANE Select); 9 bases into the intron before coding-DNA position 2584, T replaced by C.
Molecular consequence: intron variant.
Genome position (GRCh38, 1-based): chr7:116,769,636, T>C. VCF-style: chr7-116769636-T-C. GRCh37 (hg19) VCF-style: chr7-116409690-T-C.
Other names: c.2638-9T>C (NM_001127500.3); c.1294-9T>C (NM_001324402.2); c.2584-9T>C (NM_001324401.3).
Identifiers: ClinVar variation 135965 (VCV000135965.17), dbSNP rs74994656, ClinGen allele CA332673.

ClinVar aggregate classification (germline): Benign/Likely benign. Review status: criteria provided, multiple submitters, no conflicts (2 of 4 stars). 6 submissions from 6 submitters: Benign (1); Likely benign (5). Last evaluated 2026-02-03.

Conditions:
Renal cell carcinoma. Identifiers: Orphanet 217071, MedGen C0007134, MeSH D002292, MONDO:0005086, HP:0005584.
Hereditary cancer-predisposing syndrome. Also called: Tumor predisposition; Hereditary neoplastic syndrome; Neoplastic Syndromes, Hereditary; Hereditary Cancer Syndrome. Identifiers: Orphanet 140162, MedGen C0027672, MeSH D009386, MONDO:0015356.
Papillary renal cell carcinoma type 1 (RCCP1). Also called: RENAL CELL CARCINOMA, PAPILLARY, 1, SOMATIC; Renal adenocarcinoma; Renal cell carcinoma 1; Renal cell carcinoma, somatic. Identifiers: Orphanet 47044, MedGen C1336839, OMIM 605074, HP:0011797.

Allele frequency attached by ClinVar (database versions not stated): gnomAD 0.00113 and 0.00119; 1000 Genomes Project 0.00180; 1000 Genomes Project 30x 0.00187.
gnomAD v4.1: 303 of 1,601,322 alleles (0.019%); highest among the groups gnomAD compares: African/African-American, 0.35%; no homozygotes.

Submissions (6):

Labcorp Genetics (formerly Invitae), Labcorp
Classification: Benign for Renal cell carcinoma. Last evaluated: 2026-02-03. Review status: criteria provided, single submitter. Criteria: Invitae Variant Classification Sherloc (09022015). Collection method: clinical testing. Allele origin: germline.

Center for Genomic Medicine, Rigshospitalet, Copenhagen University Hospital
Classification: Likely benign. Last evaluated: 2025-03-04. Review status: criteria provided, single submitter. Criteria: ACMG Guidelines, 2015. Collection method: clinical testing. Allele origin: germline.

Myriad Genetics, Inc.
Classification: Likely benign for Papillary renal cell carcinoma type 1. Last evaluated: 2024-11-12. Review status: criteria provided, single submitter. Criteria: Myriad Autosomal Dominant, Autosomal Recessive and X-Linked Classification Criteria (2023). Collection method: clinical testing. Allele origin: unknown.
Comment: This variant is considered likely benign. This variant is intronic and is not expected to impact mRNA splicing.

Blueprint Genetics
Classification: Likely benign. Last evaluated: 2024-10-03. Review status: criteria provided, single submitter. Criteria: ACMG Guidelines, 2015. Collection method: clinical testing. Allele origin: germline.

Sema4
Classification: Likely benign for Hereditary cancer-predisposing syndrome. Last evaluated: 2021-05-20. Review status: criteria provided, single submitter. Criteria: Sema4 Curation Guidelines. Collection method: curation. Allele origin: germline.

GeneDx
Classification: Likely benign. Last evaluated: 2018-07-13. Review status: criteria provided, single submitter. Criteria: GeneDx Variant Classification Process June 2021. Collection method: clinical testing. Allele origin: germline. Affected: yes.